The following is an entry in ClinVar:

ClinVar aggregate classification (germline): Likely pathogenic. Review status: criteria provided, single submitter (1 of 4 stars). 2 submissions from 2 submitters: Likely pathogenic (1). 1 of the submissions does not count toward it. Last evaluated 2020-05-20.

Conditions:
Lesch-Nyhan syndrome (LNS). Also called: Lesch-Nyhan Disease (LND); HPRT DEFICIENCY, COMPLETE. Identifiers: Orphanet 510, MedGen C0023374, MONDO:0010298, OMIM 300322.
Partial hypoxanthine-guanine phosphoribosyltransferase deficiency. Also called: Kelley-Seegmiller Syndrome; HPRT1 DEFICIENCY, PARTIAL; HPRT DEFICIENCY, PARTIAL; HYPOXANTHINE GUANINE PHOSPHORIBOSYLTRANSFERASE 1 DEFICIENCY, PARTIAL; GOUT, HPRT-RELATED. Identifiers: Orphanet 79233, MedGen C0268117, MONDO:0010299, OMIM 300323.

Submissions (2):

Labcorp Genetics (formerly Invitae), Labcorp
Classification: Likely pathogenic for Lesch-Nyhan syndrome; Partial hypoxanthine-guanine phosphoribosyltransferase deficiency. Last evaluated: 2020-05-20. Review status: criteria provided, single submitter. Criteria: Invitae Variant Classification Sherloc (09022015). Collection method: clinical testing. Allele origin: germline.
Comment: In summary, the currently available evidence indicates that the variant is pathogenic, but additional data are needed to prove that conclusively. Therefore, this variant has been classified as Likely Pathogenic. This variant has been reported to affect HPRT1 protein function (PMID: 8125482). This variant has been observed in individual(s) with partial HPRT deficiency (PMID: 8125482, 2928313). The frequency data for this variant in the population databases is considered unreliable, as metrics indicate insufficient coverage at this position in the ExAC database. This sequence change affects the initiator methionine of the HPRT1 mRNA. The next in-frame methionine is located at codon 43.

OMIM
Classification: Pathogenic for HYPERURICEMIA, HPRT-RELATED. Last evaluated: 1989-03-01. Review status: no assertion criteria provided. Collection method: literature only. Allele origin: germline. Not counted in ClinVar's aggregate classification.

Literature cited by the submitters: PubMed 8125482 (cited by Labcorp Genetics (formerly Invitae), Labcorp); PubMed 2928313 (cited by Labcorp Genetics (formerly Invitae), Labcorp and OMIM).

NM_000194.3(HPRT1):c.-12_1del (p.Met1fs)

Genes: HPRT1 (hypoxanthine phosphoribosyltransferase 1; plus strand), LOC107032760 (origin of replication in promoter/intron 1 of HPRT1; plus strand), LOC129929047 (ATAC-STARR-seq lymphoblastoid silent region 21009; plus strand). Cytogenetic location: Xq26.2.
Variant type: Deletion.
Coding change: c.-12_1del on transcript NM_000194.3 (MANE Select); 12 bases upstream of the start codon through coding-DNA position 1, 13 bases deleted (GCCGGCTCCGTTA).
Protein change: p.Met1fs; shifts the reading frame from methionine 1.
Molecular consequence: frameshift variant, initiator codon variant.
Genome position (GRCh38, 1-based): chrX:134,460,300-134,460,312, GCCGGCTCCGTTA deleted. VCF-style (leftmost placement, unchanged base first): chrX-134460299-GGCCGGCTCCGTTA-G. GRCh37 (hg19) VCF-style: chrX-133594329-GGCCGGCTCCGTTA-G.
Other names: short protein forms M1fs.
Identifiers: ClinVar variation 1066190 (VCV001066190.11), dbSNP rs2124280474, ClinGen allele CA2499226375.